The following is an entry in ClinVar:

ClinVar aggregate classification (germline): Likely benign (1 of 4 stars; one submission).

Conditions:
SPNS2-related disorder. Also called: SPNS2-related condition.

Submission:

PreventionGenetics, part of Exact Sciences
Classification: Likely benign for SPNS2-related condition. Last evaluated: 2025-11-11. Review status: criteria provided, single submitter. Criteria: ACMG Guidelines, 2015. Collection method: clinical testing. Allele origin: germline.
Comment: This variant is classified as likely benign based on ACMG/AMP sequence variant interpretation guidelines (Richards et al. 2015 PMID: 25741868, with internal and published modifications).

NM_001124758.3(SPNS2):c.-1C>T

Genes: SPNS2 (SPNS lysolipid transporter 2, sphingosine-1-phosphate; plus strand), SPNS2-AS1 (SPNS2 antisense RNA 1; minus strand). Cytogenetic location: 17p13.2.
Variant type: single nucleotide variant.
Coding change: c.-1C>T on transcript NM_001124758.3 (MANE Select); 1 bases upstream of the start codon, C replaced by T.
Molecular consequence: 5 prime UTR variant.
Genome position (GRCh38, 1-based): chr17:4,499,047, C>T. VCF-style: chr17-4499047-C-T. GRCh37 (hg19) VCF-style: chr17-4402342-C-T.
Identifiers: ClinVar variation 4988319 (VCV004988319.1).
Genomic context (GRCh38, chr17:4,499,047, plus strand): 5'-GAGCGGGCCCAGCCTGGGCCCCGCGCCCCCCGCGCCCCCCGCCGCCCCGATCCGGGCCGG[C>T]ATGATGTGCCTGGAATGCGCCTCGGCGGCGGCGGGCGGCGCGGAGGAGGAGGAGGCGGAC-3'